The following is an entry in ClinVar:

NM_004725.4(BUB3):c.343A>G (p.Ser115Gly)

Gene: BUB3 (BUB3 mitotic checkpoint protein; plus strand). Cytogenetic location: 10q26.13.
Variant type: single nucleotide variant.
Coding change: c.343A>G on transcript NM_004725.4 (MANE Select); coding-DNA position 343, A replaced by G.
Protein change: p.Ser115Gly; replaces serine 115 with glycine.
Molecular consequence: missense variant.
Genome position (GRCh38, 1-based): chr10:123,157,806, A>G. VCF-style: chr10-123157806-A-G. GRCh37 (hg19) VCF-style: chr10-124917322-A-G.
Other names: c.343A>G, p.Ser115Gly (NM_001007793.3); short protein forms S115G.
Identifiers: ClinVar variation 2621430 (VCV002621430.2), dbSNP rs2493759911, ClinGen allele CA378625497.
Genomic context (GRCh38, chr10:123,157,806, plus strand): 5'-CATGATGCCCCTATCAGATGTGTTGAATACTGTCCAGAAGTGAATGTGATGGTCACTGGA[A>G]GTTGGGATCAGACAGTTAAACTGTGGGATCCCAGAACTCCTTGTAATGCTGGGACCTTCT-3'
Protein context (NP_004716.1, residues 105-125): CPEVNVMVTG[Ser115Gly]WDQTVKLWDP

ClinVar aggregate classification (germline): Uncertain significance (1 of 4 stars; one submission).

Submission:

Ambry Genetics
Classification: Uncertain significance. Last evaluated: 2023-06-28. Review status: criteria provided, single submitter. Criteria: Ambry Variant Classification Scheme 2023. Collection method: clinical testing. Allele origin: germline.
Comment: The p.S115G variant (also known as c.343A>G), located in coding exon 3 of the BUB3 gene, results from an A to G substitution at nucleotide position 343. The serine at codon 115 is replaced by glycine, an amino acid with similar properties. This amino acid position is conserved. In addition, the in silico prediction for this alteration is inconclusive. Since supporting evidence is limited at this time, the clinical significance of this alteration remains unclear.